The following is an entry in ClinVar:

ClinVar aggregate classification (germline): Pathogenic/Likely pathogenic. Review status: criteria provided, multiple submitters, no conflicts (2 of 4 stars). 3 submissions from 3 submitters: Pathogenic (1); Likely pathogenic (1). 1 of the submissions does not count toward it. Last evaluated 2024-04-22.

Conditions:
RYR1-related disorder. Also called: RYR1-related disorders; RYR1-related condition. Identifiers: MedGen CN239331.
Malignant hyperthermia, susceptibility to, 1 (MHS1). Also called: Anesthesia related hyperthermia; Malignant hyperpyrexia; Fulminating hyperpyrexia; Pharmacogenic myopathy; RYR1-Related Malignant Hyperthermia Susceptibility; Malignant hyperthermia suceptibility 1. Identifiers: Orphanet 423, MedGen C2930980, MONDO:0007783, OMIM 145600.

Allele frequency attached by ClinVar (database versions not stated): gnomAD exomes below 0.00001.
gnomAD v4.1: 1 of 1,613,916 alleles (0.000062%); highest among the groups gnomAD compares: Non-Finnish European, 0.000085%; no homozygotes.

Submissions (3):

Labcorp Genetics (formerly Invitae), Labcorp
Classification: Pathogenic for RYR1-related disorder. Last evaluated: 2024-04-22. Review status: criteria provided, single submitter. Criteria: Invitae Variant Classification Sherloc (09022015). Collection method: clinical testing. Allele origin: germline.
Comment: This sequence change replaces tyrosine, which is neutral and polar, with cysteine, which is neutral and slightly polar, at codon 4631 of the RYR1 protein (p.Tyr4631Cys). This variant is not present in population databases (gnomAD no frequency). This missense change has been observed in individuals with autosomal recessive congenital myopathy (PMID: 21911697, 23394784, 33333461). It has also been observed to segregate with disease in related individuals. ClinVar contains an entry for this variant (Variation ID: 590440). Advanced modeling of protein sequence and biophysical properties (such as structural, functional, and spatial information, amino acid conservation, physicochemical variation, residue mobility, and thermodynamic stability) performed at Invitae indicates that this missense variant is expected to disrupt RYR1 protein function with a positive predictive value of 95%. For these reasons, this variant has been classified as Pathogenic.

PreventionGenetics, part of Exact Sciences
Classification: Likely pathogenic. Last evaluated: 2013-11-22. Review status: criteria provided, single submitter. Criteria: ACMG Guidelines, 2015. Collection method: clinical testing. Allele origin: germline.

All of Us Research Program, National Institutes of Health
Classification: Uncertain significance for Malignant hyperthermia, susceptibility to, 1. Last evaluated: 2023-08-15. Review status: flagged submission. Criteria: ACMG Guidelines, 2015. Collection method: clinical testing. Allele origin: germline. Inheritance: Autosomal dominant inheritance. Observed: 1 variant allele, 1 heterozygote. Not counted in ClinVar's aggregate classification.
Comment: This missense variant replaces tyrosine with cysteine at codon 4631 of the RYR1 protein. Computational prediction suggests that this variant may have deleterious impact on protein structure and function (internally defined REVEL score threshold >= 0.7, PMID: 27666373). To our knowledge, functional studies have not been reported for this variant. This variant has not been reported in individuals affected with autosomal dominant malignant hyperthermia in the literature, although it is associated with other phenotype(s) (ClinVar variation ID: 590440). This variant has not been identified in the general population by the Genome Aggregation Database (gnomAD). Due to insufficient evidence, this variant is classified as a Variant of Uncertain Significance for autosomal dominant malignant hyperthermia.

This study involves interpretation of variants in research participants for the purpose of population health screening. Participant phenotype was not available at the time of variant classification. Additional details can be found in publication PMID: 35346344, PMCID: PMC8962531
ClinVar note: Reason: Outlier claim with insufficient supporting evidence

Literature cited by the submitters: PubMed 21911697 (cited by Labcorp Genetics (formerly Invitae), Labcorp); PubMed 23394784 (cited by Labcorp Genetics (formerly Invitae), Labcorp); PubMed 33333461 (cited by Labcorp Genetics (formerly Invitae), Labcorp).

NM_000540.3(RYR1):c.13892A>G (p.Tyr4631Cys)

Gene: RYR1 (ryanodine receptor 1; plus strand). Cytogenetic location: 19q13.2.
Variant type: single nucleotide variant.
Coding change: c.13892A>G on transcript NM_000540.3 (MANE Select); coding-DNA position 13892, A replaced by G.
Protein change: p.Tyr4631Cys; replaces tyrosine 4631 with cysteine.
Molecular consequence: missense variant.
Genome position (GRCh38, 1-based): chr19:38,572,164, A>G. VCF-style: chr19-38572164-A-G. GRCh37 (hg19) VCF-style: chr19-39062804-A-G.
Other names: c.13877A>G, p.Tyr4626Cys (NM_001042723.2); short protein forms Y4631C, Y4626C.
Identifiers: ClinVar variation 590440 (VCV000590440.10), dbSNP rs1568593922, ClinGen allele CA405680883.